The following is an entry in ClinVar:

ClinVar aggregate classification (germline): Uncertain significance (1 of 4 stars; one submission).

Conditions:
Hereditary spastic paraplegia 63. Also called: Spastic paraplegia 63, autosomal recessive. Identifiers: Orphanet 401805, MedGen C3810295, MONDO:0014305, OMIM 615686.
Pontocerebellar hypoplasia type 9. Identifiers: Orphanet 369920, MedGen C4014354, MONDO:0014351, OMIM 615809.

Submission:

Labcorp Genetics (formerly Invitae), Labcorp
Classification: Uncertain significance for Pontocerebellar hypoplasia type 9; Hereditary spastic paraplegia 63. Last evaluated: 2020-12-28. Review status: criteria provided, single submitter. Criteria: Invitae Variant Classification Sherloc (09022015). Collection method: clinical testing. Allele origin: germline.
Comment: In summary, the available evidence is currently insufficient to determine the role of this variant in disease. Therefore, it has been classified as a Variant of Uncertain Significance. Algorithms developed to predict the effect of missense changes on protein structure and function are either unavailable or do not agree on the potential impact of this missense change (SIFT: "Deleterious"; PolyPhen-2: "Possibly Damaging"; Align-GVGD: "Class C0"). This variant has not been reported in the literature in individuals with AMPD2-related conditions. This variant is not present in population databases (ExAC no frequency). This sequence change replaces asparagine with lysine at codon 536 of the AMPD2 protein (p.Asn536Lys). The asparagine residue is highly conserved and there is a moderate physicochemical difference between asparagine and lysine.

NM_001368809.2(AMPD2):c.1446T>A (p.Asn482Lys)

Genes: AMPD2 (adenosine monophosphate deaminase 2; plus strand), LOC126805822 (BRD4-independent group 4 enhancer GRCh37_chr1:110170748-110171947; plus strand). Cytogenetic location: 1p13.3.
Variant type: single nucleotide variant.
Coding change: c.1446T>A on transcript NM_001368809.2 (MANE Select); coding-DNA position 1446, T replaced by A.
Protein change: p.Asn482Lys; replaces asparagine 482 with lysine.
Molecular consequence: missense variant.
Genome position (GRCh38, 1-based): chr1:109,628,681, T>A. VCF-style: chr1-109628681-T-A. GRCh37 (hg19) VCF-style: chr1-110171303-T-A.
Other names: c.1254T>A, p.Asn418Lys (NM_001257361.2); c.1383T>A, p.Asn461Lys (NM_001308170.1); c.1446T>A, p.Asn482Lys (NM_004037.9); c.1365T>A, p.Asn455Lys (NM_139156.4); short protein forms N418K, N482K, N455K, N461K.
Identifiers: ClinVar variation 1512783 (VCV001512783.8), dbSNP rs756027056, ClinGen allele CA341559020.